The following is an entry in ClinVar:

ClinVar aggregate classification (germline): Uncertain significance. Review status: criteria provided, multiple submitters, no conflicts (2 of 4 stars). 2 submissions from 2 submitters: Uncertain significance (2). Last evaluated 2025-10-21.

Conditions:
Early-infantile DEE. Also called: Early infantile epileptic encephalopathy; Ohtahara syndrome; Early infantile epileptic encephalopathy with suppression bursts. Identifiers: Orphanet 1934, MedGen C0393706, MONDO:0800491.

Allele frequency attached by ClinVar (database versions not stated): ExAC 0.00001; gnomAD exomes 0.00002 and 0.00003; ESP Exome Variant Server 0.00008.
gnomAD v4.1: 39 of 1,560,328 alleles (0.0025%); highest among the groups gnomAD compares: Non-Finnish European, 0.0032%; no homozygotes.

Submissions (2):

Labcorp Genetics (formerly Invitae), Labcorp
Classification: Uncertain significance for Early-infantile DEE. Last evaluated: 2025-10-21. Review status: criteria provided, single submitter. Criteria: Invitae Variant Classification Sherloc (09022015). Collection method: clinical testing. Allele origin: germline.
Comment: This sequence change falls in intron 2 of the SCN1A gene. It does not directly change the encoded amino acid sequence of the SCN1A protein. This variant is present in population databases (rs371926865, gnomAD 0.005%). This variant has not been reported in the literature in individuals affected with SCN1A-related conditions. ClinVar contains an entry for this variant (Variation ID: 1695479). Algorithms developed to predict the effect of sequence changes on RNA splicing suggest that this variant may create or strengthen a splice site. In summary, the available evidence is currently insufficient to determine the role of this variant in disease. Therefore, it has been classified as a Variant of Uncertain Significance.

GeneDx
Classification: Uncertain significance. Last evaluated: 2022-01-10. Review status: criteria provided, single submitter. Criteria: GeneDx Variant Classification Process June 2021. Collection method: clinical testing. Allele origin: germline. Affected: yes.
Comment: In silico analysis supports a deleterious effect on splicing; Has not been previously published as pathogenic or benign to our knowledge

NM_001165963.4(SCN1A):c.384-9A>G

Gene: SCN1A (sodium voltage-gated channel alpha subunit 1; minus strand). Cytogenetic location: 2q24.3.
Variant type: single nucleotide variant.
Coding change: c.384-9A>G on transcript NM_001165963.4 (MANE Select); 9 bases into the intron before coding-DNA position 384, A replaced by G.
Molecular consequence: intron variant.
Genome position (GRCh38, 1-based): chr2:166,056,509, T>C on the plus strand (A>G on the coding strand, the complement: SCN1A is on the minus strand). VCF-style: chr2-166056509-T-C. GRCh37 (hg19) VCF-style: chr2-166913019-T-C.
Other names: c.384-9A>G (NM_001353949.2, NM_001353958.2, NM_001353950.2 and 10 more transcripts); c.-2042-9A>G (NM_001353961.2).
Identifiers: ClinVar variation 1695479 (VCV001695479.7), dbSNP rs371926865, ClinGen allele CA1943516.